The following is an entry in ClinVar:

ClinVar aggregate classification (germline): Uncertain significance (0 of 4 stars; one submission).

Allele frequency attached by ClinVar (database versions not stated): TOPMed below 0.00001; gnomAD 0.00001; gnomAD exomes 0.00001.
gnomAD v4.1: 8 of 1,208,765 alleles (0.00066%); highest among the groups gnomAD compares: Non-Finnish European, 0.00089%; no homozygotes.

Submission:

Department of Pathology and Laboratory Medicine, Sinai Health System
Classification: Uncertain significance. Review status: no assertion criteria provided. Collection method: clinical testing. Allele origin: unknown. Affected: yes. Study: The Canadian Open Genetics Repository (COGR).
Comment: The DIAPH2 p.Ile797Phe variant was not identified in the literature nor was it identified in ClinVar or LOVD 3.0. The variant was identified in dbSNP (ID: rs764330745) and in control databases in 1 of 181871 chromosomes (1 hemizygous) at a frequency of 0.000005498 (Genome Aggregation Database March 6, 2019, v2.1.1). The variant was observed in the European (non-Finnish) population in 1 of 81044 chromosomes (freq: 0.000012), but was not observed in the African, Latino, Ashkenazi Jewish, East Asian, European (Finnish), Other, or South Asian populations. The p.Ile797 residue is conserved in mammals and computational analyses (PolyPhen-2, SIFT, AlignGVGD, BLOSUM, MutationTaster) provide inconsistent predictions regarding the impact to the protein; this information is not very predictive of pathogenicity. The variant occurs outside of the splicing consensus sequence and in silico or computational prediction software programs (SpliceSiteFinder, MaxEntScan, NNSPLICE, GeneSplicer) do not predict a difference in splicing. In summary, based on the above information the clinical significance of this variant cannot be determined with certainty at this time. This variant is classified as a variant of uncertain significance.

NM_006729.5(DIAPH2):c.2389A>T (p.Ile797Phe)

Gene: DIAPH2 (diaphanous related formin 2; plus strand). Cytogenetic location: Xq21.33.
Variant type: single nucleotide variant.
Coding change: c.2389A>T on transcript NM_006729.5 (MANE Select); coding-DNA position 2389, A replaced by T.
Protein change: p.Ile797Phe; replaces isoleucine 797 with phenylalanine.
Molecular consequence: missense variant.
Genome position (GRCh38, 1-based): chrX:97,114,765, A>T. VCF-style: chrX-97114765-A-T. GRCh37 (hg19) VCF-style: chrX-96369764-A-T.
Other names: c.2389A>T, p.Ile797Phe (NM_007309.4); short protein forms I797F.
Identifiers: ClinVar variation 1049879 (VCV001049879.1), dbSNP rs764330745, ClinGen allele CA413994526.
Genomic context (GRCh38, chrX:97,114,765, plus strand): 5'-AGGGTATTTCTTATCTTACAGATGAGCTCTGTGAAAATGTTACAGCCTCGTCTCAGTAGT[A>T]TCCTGTTCAAGCTCACATTTGAAGAACACATAAACAACATCAAACCAAGCATCATAGCAG-3'
Protein context (NP_006720.1, residues 787-807): VKMLQPRLSS[Ile797Phe]LFKLTFEEHI